The following is an entry in ClinVar:

ClinVar aggregate classification (germline): Pathogenic (1 of 4 stars; one submission).

Conditions:
Ehlers-Danlos syndrome, kyphoscoliotic type 1 (EDSKSCL1). Also called: PLOD1-Related Kyphoscoliotic Ehlers-Danlos Syndrome; EHLERS-DANLOS SYNDROME, OCULAR-SCOLIOTIC TYPE; Ehlers-Danlos syndrome, hydroxylysine-deficient; EHLERS-DANLOS SYNDROME, TYPE VIA. Identifiers: Orphanet 1900, MedGen C0268342, MONDO:0016002, OMIM 225400. Disease mechanism: loss of function.

Allele frequency attached by ClinVar (database versions not stated): TOPMed below 0.00001.

Submission:

Labcorp Genetics (formerly Invitae), Labcorp
Classification: Pathogenic for Ehlers-Danlos syndrome, kyphoscoliotic type 1. Last evaluated: 2022-10-27. Review status: criteria provided, single submitter. Criteria: Invitae Variant Classification Sherloc (09022015). Collection method: clinical testing. Allele origin: germline.
Comment: This variant is not present in population databases (gnomAD no frequency). For these reasons, this variant has been classified as Pathogenic. This variant has not been reported in the literature in individuals affected with PLOD1-related conditions. This sequence change creates a premature translational stop signal (p.Gln399*) in the PLOD1 gene. It is expected to result in an absent or disrupted protein product. Loss-of-function variants in PLOD1 are known to be pathogenic (PMID: 10874315, 21699693).

Literature cited by the submitters: PubMed 10874315; PubMed 21699693.

NM_000302.4(PLOD1):c.1195C>T (p.Gln399Ter)

Gene: PLOD1 (procollagen-lysine,2-oxoglutarate 5-dioxygenase 1; plus strand). Cytogenetic location: 1p36.22.
Variant type: single nucleotide variant.
Coding change: c.1195C>T on transcript NM_000302.4 (MANE Select); coding-DNA position 1195, C replaced by T.
Protein change: p.Gln399Ter; replaces glutamine 399 with a stop codon.
Molecular consequence: nonsense.
Genome position (GRCh38, 1-based): chr1:11,963,629, C>T. VCF-style: chr1-11963629-C-T. GRCh37 (hg19) VCF-style: chr1-12023686-C-T.
Other names: c.1336C>T, p.Gln446Ter (NM_001316320.2); short protein forms Q446*, Q399*.
Identifiers: ClinVar variation 2888406 (VCV002888406.3), dbSNP rs779676937, ClinGen allele CA598313.